The following is an entry in ClinVar:

ClinVar aggregate classification (germline): Uncertain significance (1 of 4 stars; one submission).

Conditions:
Hereditary cancer-predisposing syndrome. Also called: Neoplastic Syndromes, Hereditary; Tumor predisposition; Hereditary Cancer Syndrome; Hereditary neoplastic syndrome. Identifiers: Orphanet 140162, MedGen C0027672, MeSH D009386, MONDO:0015356.

gnomAD v4.1: 1 of 1,596,632 alleles (0.000063%); highest among the groups gnomAD compares: African/African-American, 0.0014%; no homozygotes.

Submission:

Ambry Genetics
Classification: Uncertain significance for Hereditary cancer-predisposing syndrome. Last evaluated: 2026-02-11. Review status: criteria provided, single submitter. Criteria: Ambry Variant Classification Scheme 2023. Collection method: clinical testing. Allele origin: germline.
Comment: The p.T732P variant (also known as c.2194A>C), located in coding exon 13 of the PMS2 gene, results from an A to C substitution at nucleotide position 2194. The threonine at codon 732 is replaced by proline, an amino acid with highly similar properties. This amino acid position is well conserved in available vertebrate species. In addition, the in silico prediction for this alteration is inconclusive. Based on the available evidence, the clinical significance of this variant remains unclear.

NM_000535.7(PMS2):c.2194A>C (p.Thr732Pro)

Gene: PMS2 (PMS1 homolog 2, mismatch repair system component; minus strand). Cytogenetic location: 7p22.1.
Variant type: single nucleotide variant.
Coding change: c.2194A>C on transcript NM_000535.7 (MANE Select); coding-DNA position 2194, A replaced by C.
Protein change: p.Thr732Pro; replaces threonine 732 with proline.
Molecular consequence: missense variant. On other transcripts: non-coding transcript variant (1), intron variant (2).
Genome position (GRCh38, 1-based): chr7:5,978,677, T>G on the plus strand (A>C on the coding strand, the complement: PMS2 is on the minus strand). VCF-style: chr7-5978677-T-G. GRCh37 (hg19) VCF-style: chr7-6018308-T-G.
Other names: c.1789A>C, p.Thr597Pro (NM_001322003.2, NM_001322004.2, NM_001322005.2 and 14 more transcripts); c.2038A>C, p.Thr680Pro (NM_001322006.2, NM_001406870.1); c.1876A>C, p.Thr626Pro (NM_001322007.2, NM_001322008.2, NM_001406876.1 and 1 more transcripts); c.1633A>C, p.Thr545Pro (NM_001322010.2, NM_001406906.1, NM_001406907.1); c.1261A>C, p.Thr421Pro (NM_001322011.2, NM_001322012.2); c.1621A>C, p.Thr541Pro (NM_001322013.2, NM_001406908.1, NM_001406909.1); c.1885A>C, p.Thr629Pro (NM_001406877.1, NM_001406878.1, NM_001406879.1 and 5 more transcripts); c.1870A>C, p.Thr624Pro (NM_001406884.1); and 16 more; short protein forms T475P, T561P, T597P, T626P, T676P, T696P, T740P, T794P.
Identifiers: ClinVar variation 4831176 (VCV004831176.1).